The following is an entry in ClinVar:

NM_001040108.2(MLH3):c.3859C>G (p.Leu1287Val)

Gene: MLH3 (mutL homolog 3; minus strand). Cytogenetic location: 14q24.3.
Variant type: single nucleotide variant.
Coding change: c.3859C>G on transcript NM_001040108.2 (MANE Select); coding-DNA position 3859, C replaced by G.
Protein change: p.Leu1287Val; replaces leucine 1287 with valine.
Molecular consequence: missense variant.
Genome position (GRCh38, 1-based): chr14:75,030,671, G>C on the plus strand (C>G on the coding strand, the complement: MLH3 is on the minus strand). VCF-style: chr14-75030671-G-C. GRCh37 (hg19) VCF-style: chr14-75497374-G-C.
Other names: c.3787C>G, p.Leu1263Val (NM_014381.3); short protein forms L1263V, L1287V.
Identifiers: ClinVar variation 4860241 (VCV004860241.1).

ClinVar aggregate classification (germline): Uncertain significance (1 of 4 stars; one submission).

Submission:

Ambry Genetics
Classification: Uncertain significance. Last evaluated: 2026-06-13. Review status: criteria provided, single submitter. Criteria: Ambry Variant Classification Scheme 2023. Collection method: clinical testing. Allele origin: germline.
Comment: The p.L1287V variant (also known as c.3859C>G), located in coding exon 8 of the MLH3 gene, results from a C to G substitution at nucleotide position 3859. The leucine at codon 1287 is replaced by valine, an amino acid with highly similar properties. This amino acid position is conserved. In addition, the in silico prediction for this alteration is inconclusive. Based on the available evidence, the clinical significance of this variant remains unclear.